The following is an entry in ClinVar:

NM_000059.4(BRCA2):c.5471A>G (p.Asn1824Ser)

Gene: BRCA2 (BRCA2 DNA repair associated; plus strand). Cytogenetic location: 13q13.1.
Variant type: single nucleotide variant.
Coding change: c.5471A>G on transcript NM_000059.4 (MANE Select); coding-DNA position 5471, A replaced by G.
Protein change: p.Asn1824Ser; replaces asparagine 1824 with serine.
Molecular consequence: missense variant.
Genome position (GRCh38, 1-based): chr13:32,339,826, A>G. VCF-style: chr13-32339826-A-G. GRCh37 (hg19) VCF-style: chr13-32913963-A-G.
Other names: short protein forms N1824S.
Identifiers: ClinVar variation 51868 (VCV000051868.15), dbSNP rs80358769, ClinGen allele CA022396.

ClinVar aggregate classification (germline): Conflicting classifications of pathogenicity. Review status: criteria provided, conflicting classifications (1 of 4 stars). 4 submissions from 4 submitters: Uncertain significance (2); Likely benign (1). 1 of the submissions does not count toward it. Last evaluated 2023-03-31.

Conditions:
Hereditary breast ovarian cancer syndrome. Also called: Hereditary breast and ovarian cancer syndrome; Hereditary breast and ovarian cancer; Hereditary breast and ovarian cancer syndrome (HBOC); Breast and ovarian cancer; Hereditary breast and/or ovarian cancer syndrome; BRCA1- and BRCA2-Associated Hereditary Breast and Ovarian Cancer. Identifiers: Orphanet 145, MedGen C0677776, MeSH D061325, MONDO:0003582. Disease mechanism: loss of function.
Hereditary cancer-predisposing syndrome. Also called: Neoplastic Syndromes, Hereditary; Tumor predisposition; Hereditary neoplastic syndrome; Hereditary Cancer Syndrome. Identifiers: Orphanet 140162, MedGen C0027672, MeSH D009386, MONDO:0015356.
Breast-ovarian cancer, familial, susceptibility to, 2 (BROVCA2). Also called: BRCA2 Hereditary Breast and Ovarian Cancer. Identifiers: Orphanet 145, MedGen C2675520, MONDO:0012933, OMIM 612555. Disease mechanism: loss of function.

Submissions (4):

Labcorp Genetics (formerly Invitae), Labcorp
Classification: Uncertain significance for Hereditary breast ovarian cancer syndrome. Last evaluated: 2023-03-31. Review status: criteria provided, single submitter. Criteria: Invitae Variant Classification Sherloc (09022015). Collection method: clinical testing. Allele origin: germline.
Comment: This sequence change replaces asparagine, which is neutral and polar, with serine, which is neutral and polar, at codon 1824 of the BRCA2 protein (p.Asn1824Ser). This variant is not present in population databases (gnomAD no frequency). This variant has not been reported in the literature in individuals affected with BRCA2-related conditions. ClinVar contains an entry for this variant (Variation ID: 51868). Advanced modeling of protein sequence and biophysical properties (such as structural, functional, and spatial information, amino acid conservation, physicochemical variation, residue mobility, and thermodynamic stability) performed at Invitae indicates that this missense variant is not expected to disrupt BRCA2 protein function. In summary, the available evidence is currently insufficient to determine the role of this variant in disease. Therefore, it has been classified as a Variant of Uncertain Significance.

University of Washington Department of Laboratory Medicine, University of Washington
Classification: Likely benign for Hereditary cancer-predisposing syndrome. Last evaluated: 2023-03-23. Review status: criteria provided, single submitter. Criteria: Dines et al. (Genet Med. 2020). Collection method: curation. Allele origin: germline.
Comment: Missense variant in a coldspot region where missense variants are very unlikely to be pathogenic (PMID:31911673).

BRCA2 exon 11 coldspot. Reclassification based on statistical prior probability.

Ambry Genetics
Classification: Uncertain significance for Hereditary cancer-predisposing syndrome. Last evaluated: 2017-06-23. Review status: criteria provided, single submitter. Criteria: Ambry Variant Classification Scheme 2023. Collection method: clinical testing. Allele origin: germline.
Comment: The p.N1824S variant (also known as c.5471A>G), located in coding exon 10 of the BRCA2 gene, results from an A to G substitution at nucleotide position 5471. The asparagine at codon 1824 is replaced by serine, an amino acid with highly similar properties. This amino acid position is poorly conserved in available vertebrate species. In addition, this alteration is predicted to be tolerated by in silico analysis. Since supporting evidence is limited at this time, the clinical significance of this alteration remains unclear.

Breast Cancer Information Core (BIC) (BRCA2)
Classification: Uncertain significance for Breast-ovarian cancer, familial 2. Last evaluated: 2003-12-23. Review status: no assertion criteria provided. Collection method: clinical testing. Allele origin: germline. Affected: yes. Observed: 1 variant allele. Not counted in ClinVar's aggregate classification.